The following is an entry in ClinVar:

NM_015599.3(PGM3):c.965T>C (p.Ile322Thr)

Gene: PGM3 (phosphoglucomutase 3; minus strand). Cytogenetic location: 6q14.1.
Variant type: single nucleotide variant.
Coding change: c.965T>C on transcript NM_015599.3 (MANE Select); coding-DNA position 965, T replaced by C.
Protein change: p.Ile322Thr; replaces isoleucine 322 with threonine.
Molecular consequence: missense variant. On other transcripts: non-coding transcript variant (1).
Genome position (GRCh38, 1-based): chr6:83,178,737, A>G on the plus strand (T>C on the coding strand, the complement: PGM3 is on the minus strand). VCF-style: chr6-83178737-A-G. GRCh37 (hg19) VCF-style: chr6-83888456-A-G.
Other names: c.1049T>C, p.Ile350Thr (NM_001199917.2, NM_001367287.1); c.722T>C, p.Ile241Thr (NM_001199918.2); c.965T>C, p.Ile322Thr (NM_001199919.2, NM_001367286.1); short protein forms I350T, I322T, I241T.
Identifiers: ClinVar variation 421723 (VCV000421723.17), dbSNP rs745508510, ClinGen allele CA3906638.

ClinVar aggregate classification (germline): Conflicting classifications of pathogenicity. Review status: criteria provided, conflicting classifications (1 of 4 stars). 8 submissions from 8 submitters: Pathogenic (2); Likely pathogenic (3); Uncertain significance (2). 1 of the submissions does not count toward it. Last evaluated 2026-06-08.

Conditions:
PGM3-related disorder. Also called: PGM3-related condition.
Immunodeficiency 23 (IMD23). Also called: IMMUNODEFICIENCY WITH HYPER IgE AND COGNITIVE IMPAIRMENT; IMMUNODEFICIENCY-VASCULITIS-MYOCLONUS SYNDROME. Identifiers: Orphanet 443811, MedGen C4014371, MONDO:0014353, OMIM 615816.
Inborn genetic diseases. Identifiers: MedGen C0950123, MeSH D030342.
Severe combined immunodeficiency disease. Also called: Severe Combined Immune Deficiency; Severe combined immunodeficiency. Identifiers: Orphanet 183660, MedGen C0085110, MeSH D016511, MONDO:0015974, HP:0004430. Inheritance: X-Linked or Autosomal recessive.

Allele frequency attached by ClinVar (database versions not stated): gnomAD exomes below 0.00001 and 0.00001; TOPMed below 0.00001; gnomAD 0.00001; ExAC 0.00002.

Submissions (8):

Ambry Genetics
Classification: Pathogenic for Inborn genetic diseases. Last evaluated: 2026-06-08. Review status: criteria provided, single submitter. Criteria: Ambry Variant Classification Scheme 2023. Collection method: clinical testing. Allele origin: germline.
Comment: The c.1049T>C (p.I350T) alteration is located in exon 9 (coding exon 8) of the PGM3 gene. This alteration results from a T to C substitution at nucleotide position 1049, causing the isoleucine (I) at amino acid position 350 to be replaced by a threonine (T). Based on data from gnomAD, the C allele has an overall frequency of 0.001% (3/251152) total alleles studied. The highest observed frequency was 0.003% (1/34562) of Latino alleles. This variant has been identified in the homozygous state and/or in conjunction with other variant(s) in this same gene in individual(s) with features consistent with PGM3-related immunodeficiency and segregated with disease in at least one family (Lundin, 2015; 2020 CIS Annual Meeting: Immune Deficiency & Dysregulation North American Conference; Winslow, 2022). This amino acid position is not well conserved in available vertebrate species. In an assay testing PGM3 function, this variant showed a functionally abnormal result (Yang, 2024). This alteration is predicted to be tolerated by in silico analysis. Based on the available evidence, this alteration is classified as pathogenic.

Labcorp Genetics (formerly Invitae), Labcorp
Classification: Likely pathogenic for Immunodeficiency 23. Last evaluated: 2026-01-20. Review status: criteria provided, single submitter. Criteria: Invitae Variant Classification Sherloc (09022015). Collection method: clinical testing. Allele origin: germline.
Comment: This sequence change replaces isoleucine, which is neutral and non-polar, with threonine, which is neutral and polar, at codon 350 of the PGM3 protein (p.Ile350Thr). This variant is present in population databases (rs745508510, gnomAD 0.003%). This missense change has been observed in individuals with clinical features of PGM3-related conditions (PMID: 26482871, 35040011). It has also been observed to segregate with disease in related individuals. This variant is also known as Ile322Thr. ClinVar contains an entry for this variant (Variation ID: 421723). An algorithm developed to predict the effect of missense changes on protein structure and function (PolyPhen-2) suggests that this variant is likely to be tolerated. Experimental studies have shown that this missense change affects PGM3 function (PMID: 26482871). In summary, the currently available evidence indicates that the variant is pathogenic, but additional data are needed to prove that conclusively. Therefore, this variant has been classified as Likely Pathogenic.

PreventionGenetics, part of Exact Sciences
Classification: Uncertain significance for PGM3-related condition. Last evaluated: 2025-08-15. Review status: criteria provided, single submitter. Criteria: ACMG Guidelines, 2015. Collection method: clinical testing. Allele origin: germline.
Comment: The PGM3 c.1049T>C variant is predicted to result in the amino acid substitution p.Ile350Thr. This variant has been reported in two individuals with susceptibility to infections (Lundin et al. 2015. PubMed ID: 26482871; Winslow et al. 2022. PubMed ID: 35040011). A functional study shows this variant results in faster protein degredation compared to wild type (Lundin et al. 2015. PubMed ID: 26482871). This variant is reported in 0.0029% of alleles in individuals of Latino descent in gnomAD. At this time, the clinical significance of this variant is uncertain due to the absence of conclusive functional and genetic evidence.

GeneDx
Classification: Likely pathogenic. Last evaluated: 2025-06-24. Review status: criteria provided, single submitter. Criteria: GeneDx Variant Classification Process June 2021. Collection method: clinical testing. Allele origin: germline. Affected: yes.
Comment: Published functional studies demonstrate a damaging effect on enzyme activity (PMID: 26482871); Not observed at significant frequency in large population cohorts (gnomAD); In silico analysis supports that this missense variant has a deleterious effect on protein structure/function; This variant is associated with the following publications: (PMID: 1245758, 35040011, 26482871, 28543917)

Women's Health and Genetics/Laboratory Corporation of America, LabCorp
Classification: Likely pathogenic for Severe combined immunodeficiency disease. Last evaluated: 2024-08-15. Review status: criteria provided, single submitter. Criteria: LabCorp Variant Classification Summary - May 2015. Collection method: clinical testing. Allele origin: germline.
Comment: Variant summary: PGM3 c.1049T>C (p.Ile350Thr) results in a non-conservative amino acid change located in the Phosphoacetylglucosamine mutase AMG1, domain III (IPR049022) of the encoded protein sequence. Three of five in-silico tools predict a damaging effect of the variant on protein function. The variant allele was found at a frequency of 1.2e-05 in 251152 control chromosomes. c.1049T>C has been reported in the literature in homozygous and compound heterozygous individuals affected with Severe Combined Immunodeficiency (Lundin_2015, Winslow_2022). These data indicate that the variant is likely to be associated with disease. At least one publication reports experimental evidence evaluating an impact on protein function. The most pronounced variant effect results in 480% of normal enzyme activity in an in vitro assay (Lundin_2015). The following publications have been ascertained in the context of this evaluation (PMID: 26482871, 35040011). ClinVar contains an entry for this variant (Variation ID: 421723). Based on the evidence outlined above, the variant was classified as likely pathogenic.

Revvity Omics, Revvity
Classification: Pathogenic for Immunodeficiency 23. Last evaluated: 2022-04-20. Review status: criteria provided, single submitter. Criteria: ACMG Guidelines, 2015. Collection method: clinical testing. Allele origin: germline.

Center for Genomics, Ann and Robert H. Lurie Children's Hospital of Chicago
Classification: Uncertain significance for Immunodeficiency 23. Last evaluated: 2021-12-22. Review status: criteria provided, single submitter. Criteria: ACMG Guidelines, 2015. Collection method: clinical testing. Allele origin: germline.
Comment: PGM3 NM_001199917.1 exon 9 p.Ile350Thr (c.1049T>C): This variant has been reported in the literature (as p.Ile322Thr) as homozygous in 1 individual with recurrent infection, neutropenia and eosinophilia, segregating with disease in 1 affected family member (Bjorksten 1976 PMID:1245758, Lundin 2015 PMID:26482871). Of note, both unaffected parents and an unaffected sibling were identified to be heterozygous; two other siblings were also affected but did not receive genetic testing. This variant is present in 2/111592 European alleles in the Genome Aggregation Database. This variant is present in ClinVar (Variation ID:421723). Evolutionary conservation and computational predictive tools for this variant are unclear. In vitro functional studies suggest that this variant destabilizes the protein (Lundin 2015 PMID:26482871). However, these studies may not accurately represent in vivo biological function. In summary, data on this variant is insufficient for disease classification. Therefore, the clinical significance of this variant is uncertain.

OMIM
Classification: Pathogenic for IMMUNODEFICIENCY 23. Last evaluated: 2020-07-30. Review status: no assertion criteria provided. Collection method: literature only. Allele origin: germline. Not counted in ClinVar's aggregate classification.

Literature cited by the submitters: PubMed 26482871 (cited by 4 submitters); PubMed 32394034 (cited by Ambry Genetics); PubMed 35040011 (cited by 3 submitters); PubMed 39776909 (cited by Ambry Genetics); PubMed 28543917 (cited by Women's Health and Genetics/Laboratory Corporation of America, LabCorp); PubMed 1245758 (cited by OMIM).